The following is an entry in ClinVar:

NM_001035.3(RYR2):c.6200T>C (p.Val2067Ala)

Gene: RYR2 (ryanodine receptor 2; plus strand). Cytogenetic location: 1q43.
Variant type: single nucleotide variant.
Coding change: c.6200T>C on transcript NM_001035.3 (MANE Select); coding-DNA position 6200, T replaced by C.
Protein change: p.Val2067Ala; replaces valine 2067 with alanine.
Molecular consequence: missense variant.
Genome position (GRCh38, 1-based): chr1:237,627,840, T>C. VCF-style: chr1-237627840-T-C. GRCh37 (hg19) VCF-style: chr1-237791140-T-C.
Other names: short protein forms V2067A.
Identifiers: ClinVar variation 3071531 (VCV003071531.1), dbSNP rs2546887896, ClinGen allele CA345410434.

ClinVar aggregate classification (germline): Uncertain significance (1 of 4 stars; one submission).

Conditions:
Catecholaminergic polymorphic ventricular tachycardia (CVPT). Also called: Catecholamine-induced polymorphic ventricular tachycardia. Identifiers: Orphanet 3286, MedGen C5574922, MONDO:0017990.

Submission:

All of Us Research Program, National Institutes of Health
Classification: Uncertain significance for Catecholaminergic polymorphic ventricular tachycardia. Last evaluated: 2023-06-08. Review status: criteria provided, single submitter. Criteria: ACMG Guidelines, 2015. Collection method: clinical testing. Allele origin: germline. Inheritance: Autosomal dominant inheritance. Observed: 1 variant allele, 1 heterozygote.
Comment: This missense variant replaces valine with alanine at codon 2067 of the RYR2 protein. Computational prediction suggests that this variant may not impact protein structure and function (internally defined REVEL score threshold <= 0.5, PMID: 27666373). To our knowledge, functional studies have not been reported for this variant. This variant has not been reported in individuals affected with RYR2-related disorders in the literature. This variant has not been identified in the general population by the Genome Aggregation Database (gnomAD). The available evidence is insufficient to determine the role of this variant in disease conclusively. Therefore, this variant is classified as a Variant of Uncertain Significance.

This study involves interpretation of variants in research participants for the purpose of population health screening. Participant phenotype was not available at the time of variant classification. Additional details can be found in publication PMID: 35346344, PMCID: PMC8962531